The following is an entry in ClinVar:

NM_001267550.2(TTN):c.103451C>T (p.Ala34484Val)

Genes: TTN-AS1 (TTN antisense RNA 1; plus strand), TTN (titin; minus strand). Cytogenetic location: 2q31.2.
Variant type: single nucleotide variant.
Coding change: c.103451C>T on transcript NM_001267550.2 (MANE Select); coding-DNA position 103451, C replaced by T.
Protein change: p.Ala34484Val; replaces alanine 34484 with valine.
Molecular consequence: missense variant.
Genome position (GRCh38, 1-based): chr2:178,533,164, G>A on the plus strand (C>T on the coding strand, the complement: TTN is on the minus strand). VCF-style: chr2-178533164-G-A. GRCh37 (hg19) VCF-style: chr2-179397891-G-A.
Other names: c.98528C>T, p.Ala32843Val (NM_001256850.1); c.76256C>T, p.Ala25419Val (NM_003319.4); c.95747C>T, p.Ala31916Val (NM_133378.4); c.76631C>T, p.Ala25544Val (NM_133432.3); c.76832C>T, p.Ala25611Val (NM_133437.4); short protein forms A25419V, A32843V, A25544V, A25611V, A31916V, A34484V.
Identifiers: ClinVar variation 2922620 (VCV002922620.3), dbSNP rs564581124, ClinGen allele CA60957124.
Genomic context (GRCh38, chr2:178,533,164, plus strand): 5'-CTCAGAGCCTCTTTAGCTACCTGTGTCAGTGGTACACTTTCAGTTCCAGAAAGAATTTCA[G>A]CCATTCTGAGGGTTTTGTCAATTTGTTTTTGTACGTGTCGCTCATGCTCCTCCTTACTCT-3'
Protein context (NP_001254479.2, residues 34474-34494): QKQIDKTLRM[Ala34484Val]EILSGTESVP

ClinVar aggregate classification (germline): Uncertain significance (1 of 4 stars; one submission).

Conditions:
Dilated cardiomyopathy 1G (CMD1G). Identifiers: Orphanet 154, MedGen C1858763, MONDO:0011400, OMIM 604145.
Autosomal recessive limb-girdle muscular dystrophy type 2J (LGMDR10). Also called: Limb-girdle muscular dystrophy, type 2J; MUSCULAR DYSTROPHY, LIMB-GIRDLE, AUTOSOMAL RECESSIVE 10. Identifiers: Orphanet 140922, MedGen C1837342, MONDO:0012127, OMIM 608807.

Allele frequency attached by ClinVar (database versions not stated): TOPMed below 0.00001; gnomAD 0.00001.
gnomAD v4.1: 22 of 1,613,842 alleles (0.0014%); highest among the groups gnomAD compares: Non-Finnish European, 0.0018%; no homozygotes.

Submission:

Labcorp Genetics (formerly Invitae), Labcorp
Classification: Uncertain significance for Dilated cardiomyopathy 1G; Autosomal recessive limb-girdle muscular dystrophy type 2J. Last evaluated: 2025-10-14. Review status: criteria provided, single submitter. Criteria: Invitae Variant Classification Sherloc (09022015). Collection method: clinical testing. Allele origin: germline.
Comment: This sequence change replaces alanine, which is neutral and non-polar, with valine, which is neutral and non-polar, at codon 34484 of the TTN protein (p.Ala34484Val). This variant is not present in population databases (gnomAD no frequency). This variant has not been reported in the literature in individuals affected with TTN-related conditions. ClinVar contains an entry for this variant (Variation ID: 2922620). Experimental studies and prediction algorithms are not available or were not evaluated, and the functional significance of this variant is currently unknown. This variant is located in the M band of TTN (PMID: 25589632). Non-truncating variants in this region may be relevant for neuromuscular disorders, but have not been definitively shown to cause cardiomyopathy (PMID: 23975875). In summary, the available evidence is currently insufficient to determine the role of this variant in disease. Therefore, it has been classified as a Variant of Uncertain Significance.

Literature cited by the submitters: PubMed 25589632; PubMed 23975875.